The following is an entry in ClinVar:

ClinVar aggregate classification (germline): Uncertain significance (1 of 4 stars; one submission).

Conditions:
Regional enteritis. Also called: Enteritis, Granulomatous. Identifiers: MedGen C0678202, MeSH D003424.
Blau syndrome (BLAUS). Also called: GRANULOMATOSIS, FAMILIAL JUVENILE SYSTEMIC; GRANULOMATOSIS, FAMILIAL, BLAU TYPE; GRANULOMATOUS INFLAMMATORY ARTHRITIS, DERMATITIS, AND UVEITIS, FAMILIAL; JABS SYNDROME; ARTHROCUTANEOUVEAL GRANULOMATOSIS. Identifiers: Orphanet 90340, MedGen C5201146, MONDO:0008523, OMIM 186580.

Allele frequency attached by ClinVar (database versions not stated): gnomAD exomes below 0.00001; TOPMed below 0.00001.
gnomAD v4.1: 2 of 1,614,228 alleles (0.00012%); highest among the groups gnomAD compares: Non-Finnish European, 0.00017%; no homozygotes.

Submission:

Labcorp Genetics (formerly Invitae), Labcorp
Classification: Uncertain significance for Regional enteritis; Blau syndrome. Last evaluated: 2022-06-09. Review status: criteria provided, single submitter. Criteria: Invitae Variant Classification Sherloc (09022015). Collection method: clinical testing. Allele origin: germline.
Comment: This sequence change replaces histidine, which is basic and polar, with glutamine, which is neutral and polar, at codon 926 of the NOD2 protein (p.His926Gln). This variant is not present in population databases (gnomAD no frequency). This variant has not been reported in the literature in individuals affected with NOD2-related conditions. Advanced modeling of protein sequence and biophysical properties (such as structural, functional, and spatial information, amino acid conservation, physicochemical variation, residue mobility, and thermodynamic stability) performed at Invitae indicates that this missense variant is not expected to disrupt NOD2 protein function. In summary, the available evidence is currently insufficient to determine the role of this variant in disease. Therefore, it has been classified as a Variant of Uncertain Significance.

NM_001370466.1(NOD2):c.2697C>G (p.His899Gln)

Gene: NOD2 (nucleotide binding oligomerization domain containing 2; plus strand). Cytogenetic location: 16q12.1.
Variant type: single nucleotide variant.
Coding change: c.2697C>G on transcript NM_001370466.1 (MANE Select); coding-DNA position 2697, C replaced by G.
Protein change: p.His899Gln; replaces histidine 899 with glutamine.
Molecular consequence: missense variant. On other transcripts: non-coding transcript variant (1).
Genome position (GRCh38, 1-based): chr16:50,722,685, C>G. VCF-style: chr16-50722685-C-G. GRCh37 (hg19) VCF-style: chr16-50756596-C-G.
Other names: c.2697C>G, p.His899Gln (NM_001293557.2); c.2778C>G, p.His926Gln (NM_022162.3); short protein forms H899Q, H926Q.
Identifiers: ClinVar variation 1446312 (VCV001446312.8), dbSNP rs1242042498, ClinGen allele CA395875250.